The following is an entry in ClinVar:

ClinVar aggregate classification (germline): Uncertain significance (1 of 4 stars; one submission).

Conditions:
Familial thoracic aortic aneurysm and aortic dissection (TAAD). Also called: Thoracic aortic aneurysms and dissections. Identifiers: Orphanet 91387, MedGen C4707243, MONDO:0019625.

Allele frequency attached by ClinVar (database versions not stated): gnomAD exomes below 0.00001.
gnomAD v4.1: 3 of 1,614,212 alleles (0.00019%); highest among the groups gnomAD compares: African/African-American, 0.004%; no homozygotes.

Submission:

Ambry Genetics
Classification: Uncertain significance for Familial thoracic aortic aneurysm and aortic dissection. Last evaluated: 2023-01-13. Review status: criteria provided, single submitter. Criteria: Ambry Variant Classification Scheme 2023. Collection method: clinical testing. Allele origin: germline.
Comment: The p.P404L variant (also known as c.1211C>T), located in coding exon 7 of the MYLK gene, results from a C to T substitution at nucleotide position 1211. The proline at codon 404 is replaced by leucine, an amino acid with similar properties. This amino acid position is conserved. In addition, this alteration is predicted to be tolerated by in silico analysis. Since supporting evidence is limited at this time, the clinical significance of this alteration remains unclear.

NM_053025.4(MYLK):c.1211C>T (p.Pro404Leu)

Gene: MYLK (myosin light chain kinase; minus strand). Cytogenetic location: 3q21.1.
Variant type: single nucleotide variant.
Coding change: c.1211C>T on transcript NM_053025.4 (MANE Select); coding-DNA position 1211, C replaced by T.
Protein change: p.Pro404Leu; replaces proline 404 with leucine.
Molecular consequence: missense variant.
Genome position (GRCh38, 1-based): chr3:123,733,785, G>A on the plus strand (C>T on the coding strand, the complement: MYLK is on the minus strand). VCF-style: chr3-123733785-G-A. GRCh37 (hg19) VCF-style: chr3-123452632-G-A.
Other names: c.683C>T, p.Pro228Leu (NM_001321309.2); c.1211C>T, p.Pro404Leu (NM_053026.4, NM_053027.4, NM_053028.4); short protein forms P404L, P228L.
Identifiers: ClinVar variation 2452962 (VCV002452962.2), dbSNP rs1056978548, ClinGen allele CA82942919.